The following is an entry in ClinVar:

ClinVar aggregate classification (germline): Uncertain significance. Review status: criteria provided, multiple submitters, no conflicts (2 of 4 stars). 5 submissions from 5 submitters: Uncertain significance (5). Last evaluated 2026-01-16.

Conditions:
Hereditary cancer-predisposing syndrome. Also called: Hereditary Cancer Syndrome; Hereditary neoplastic syndrome; Neoplastic Syndromes, Hereditary; Tumor predisposition. Identifiers: Orphanet 140162, MedGen C0027672, MeSH D009386, MONDO:0015356.
Mitochondrial complex II deficiency, nuclear type 1. Also called: SUCCINATE CoQ REDUCTASE DEFICIENCY. Identifiers: Orphanet 3208, MedGen C5700310, MONDO:0100294, OMIM 252011.
Pheochromocytoma/paraganglioma syndrome 5. Also called: Paragangliomas 5; SDHA-Related Hereditary Paraganglioma-Pheochromocytoma Syndrome. Identifiers: Orphanet 29072, MedGen C3279992, MONDO:0013602, OMIM 614165.
Dilated cardiomyopathy 1GG (CMD1GG). Identifiers: Orphanet 154, MedGen C3150898, MONDO:0013339, OMIM 613642.

Allele frequency attached by ClinVar (database versions not stated): gnomAD 0.00001; TOPMed 0.00002.
gnomAD v4.1: 34 of 1,613,768 alleles (0.0021%); highest among the groups gnomAD compares: African/African-American, 0.0027%; no homozygotes.

Submissions (5):

Labcorp Genetics (formerly Invitae), Labcorp
Classification: Uncertain significance for Pheochromocytoma/paraganglioma syndrome 5; Mitochondrial complex II deficiency, nuclear type 1. Last evaluated: 2026-01-16. Review status: criteria provided, single submitter. Criteria: Invitae Variant Classification Sherloc (09022015). Collection method: clinical testing. Allele origin: germline.
Comment: This sequence change replaces glycine, which is neutral and non-polar, with arginine, which is basic and polar, at codon 242 of the SDHA protein (p.Gly242Arg). This variant is present in population databases (rs764534044, gnomAD 0.002%). This variant has not been reported in the literature in individuals affected with SDHA-related conditions. ClinVar contains an entry for this variant (Variation ID: 239682). Invitae Evidence Modeling of protein sequence and biophysical properties (such as structural, functional, and spatial information, amino acid conservation, physicochemical variation, residue mobility, and thermodynamic stability) has been performed for this missense variant. However, the output from this modeling did not meet the statistical confidence thresholds required to predict the impact of this variant on SDHA protein function. In summary, the available evidence is currently insufficient to determine the role of this variant in disease. Therefore, it has been classified as a Variant of Uncertain Significance.

Quest Diagnostics Nichols Institute San Juan Capistrano
Classification: Uncertain significance. Last evaluated: 2025-08-19. Review status: criteria provided, single submitter. Criteria: Quest Diagnostics criteria. Collection method: clinical testing. Allele origin: unknown.
Comment: The SDHA c.724G>A (p.Gly242Arg) variant has been reported in the published literature in an individual with no personal or family history of hereditary paraganglioma–pheochromocytoma syndromes (PMID: 38473309 (2024)). The frequency of this variant in the general population (Genome Aggregation Database) is uninformative in the assessment of its pathogenicity. Analysis of this variant using bioinformatics tools for the prediction of the effect of amino acid changes on protein structure and function yielded predictions that this variant is damaging. Based on the available information, we are unable to determine the clinical significance of this variant.

Mayo Clinic Laboratories, Mayo Clinic
Classification: Uncertain significance. Last evaluated: 2025-05-06. Review status: criteria provided, single submitter. Criteria: ACMG Guidelines, 2015. Collection method: clinical testing. Allele origin: germline. Observed: 1 variant allele.
Comment: PP3_moderate

Baylor Genetics
Classification: Uncertain significance for Dilated cardiomyopathy 1GG. Last evaluated: 2024-02-02. Review status: criteria provided, single submitter. Criteria: ACMG Guidelines, 2015. Collection method: clinical testing. Allele origin: unknown.

Ambry Genetics
Classification: Uncertain significance for Hereditary cancer-predisposing syndrome. Last evaluated: 2023-12-22. Review status: criteria provided, single submitter. Criteria: Ambry Variant Classification Scheme 2023. Collection method: clinical testing. Allele origin: germline.
Comment: The p.G242R variant (also known as c.724G>A), located in coding exon 6 of the SDHA gene, results from a G to A substitution at nucleotide position 724. The glycine at codon 242 is replaced by arginine, an amino acid with dissimilar properties. This amino acid position is highly conserved in available vertebrate species. In addition, this alteration is predicted to be deleterious by in silico analysis. Since supporting evidence is limited at this time, the clinical significance of this alteration remains unclear.

Literature cited by the submitters: PubMed 38473309 (cited by Quest Diagnostics Nichols Institute San Juan Capistrano).

NM_004168.4(SDHA):c.724G>A (p.Gly242Arg)

Gene: SDHA (succinate dehydrogenase complex flavoprotein subunit A; plus strand). Cytogenetic location: 5p15.33.
Variant type: single nucleotide variant.
Coding change: c.724G>A on transcript NM_004168.4 (MANE Select); coding-DNA position 724, G replaced by A.
Protein change: p.Gly242Arg; replaces glycine 242 with arginine.
Molecular consequence: missense variant.
Genome position (GRCh38, 1-based): chr5:228,287, G>A. VCF-style: chr5-228287-G-A. GRCh37 (hg19) VCF-style: chr5-228402-G-A.
Other names: p.Gly242Arg; c.580G>A, p.Gly194Arg (NM_001294332.2); c.724G>A, p.Gly242Arg (NM_001330758.2); short protein forms G242R, G194R.
Identifiers: ClinVar variation 239682 (VCV000239682.19), dbSNP rs764534044, ClinGen allele CA3172953.